The following is an entry in ClinVar:

NM_006073.4(TRDN):c.1208A>T (p.His403Leu)

Gene: TRDN (triadin; minus strand). Cytogenetic location: 6q22.31.
Variant type: single nucleotide variant.
Coding change: c.1208A>T on transcript NM_006073.4 (MANE Select); coding-DNA position 1208, A replaced by T.
Protein change: p.His403Leu; replaces histidine 403 with leucine.
Molecular consequence: missense variant.
Genome position (GRCh38, 1-based): chr6:123,377,877, T>A on the plus strand (A>T on the coding strand, the complement: TRDN is on the minus strand). VCF-style: chr6-123377877-T-A. GRCh37 (hg19) VCF-style: chr6-123699022-T-A.
Other names: c.1211A>T, p.His404Leu (NM_001251987.2); c.1151A>T, p.His384Leu (NM_001407315.1); short protein forms H403L, H404L, H384L.
Identifiers: ClinVar variation 4190187 (VCV004190187.1).

ClinVar aggregate classification (germline): Uncertain significance (1 of 4 stars; one submission).

Conditions:
Cardiovascular phenotype. Identifiers: MedGen CN230736.

Submission:

Ambry Genetics
Classification: Uncertain significance for Cardiovascular phenotype. Last evaluated: 2025-07-09. Review status: criteria provided, single submitter. Criteria: Ambry Variant Classification Scheme 2023. Collection method: clinical testing. Allele origin: germline.
Comment: The p.H403L variant (also known as c.1208A>T), located in coding exon 17 of the TRDN gene, results from an A to T substitution at nucleotide position 1208. The histidine at codon 403 is replaced by leucine, an amino acid with similar properties. This amino acid position is conserved. In addition, this alteration is predicted to be tolerated by in silico analysis. Based on the available evidence, the clinical significance of this variant remains unclear.